The following is an entry in ClinVar:

ClinVar aggregate classification (germline): Uncertain significance (1 of 4 stars; one submission).

Submission:

Labcorp Genetics (formerly Invitae), Labcorp
Classification: Uncertain significance. Last evaluated: 2024-11-11. Review status: criteria provided, single submitter. Criteria: Invitae Variant Classification Sherloc (09022015). Collection method: clinical testing. Allele origin: germline.
Comment: This sequence change replaces serine, which is neutral and polar, with threonine, which is neutral and polar, at codon 1117 of the SRCAP protein (p.Ser1117Thr). This variant is not present in population databases (gnomAD no frequency). This variant has not been reported in the literature in individuals affected with SRCAP-related conditions. ClinVar contains an entry for this variant (Variation ID: 1412443). Invitae Evidence Modeling of protein sequence and biophysical properties (such as structural, functional, and spatial information, amino acid conservation, physicochemical variation, residue mobility, and thermodynamic stability) indicates that this missense variant is not expected to disrupt SRCAP protein function with a negative predictive value of 80%. In summary, the available evidence is currently insufficient to determine the role of this variant in disease. Therefore, it has been classified as a Variant of Uncertain Significance.

NM_006662.3(SRCAP):c.3350G>C (p.Ser1117Thr)

Gene: SRCAP (Snf2 related CREBBP activator protein; plus strand). Cytogenetic location: 16p11.2.
Variant type: single nucleotide variant.
Coding change: c.3350G>C on transcript NM_006662.3 (MANE Select); coding-DNA position 3350, G replaced by C.
Protein change: p.Ser1117Thr; replaces serine 1117 with threonine.
Molecular consequence: missense variant.
Genome position (GRCh38, 1-based): chr16:30,721,285, G>C. VCF-style: chr16-30721285-G-C. GRCh37 (hg19) VCF-style: chr16-30732606-G-C.
Other names: short protein forms S1117T.
Identifiers: ClinVar variation 1412443 (VCV001412443.6), dbSNP rs1197958090, ClinGen allele CA395613807.